The following is an entry in ClinVar:

NM_003805.5(CRADD):c.112G>A (p.Glu38Lys)

Gene: CRADD (CARD and death domain containing adaptor protein; plus strand). Cytogenetic location: 12q22.
Variant type: single nucleotide variant.
Coding change: c.112G>A on transcript NM_003805.5 (MANE Select); coding-DNA position 112, G replaced by A.
Protein change: p.Glu38Lys; replaces glutamic acid 38 with lysine.
Molecular consequence: missense variant. On other transcripts: non-coding transcript variant (1).
Genome position (GRCh38, 1-based): chr12:93,678,886, G>A. VCF-style: chr12-93678886-G-A. GRCh37 (hg19) VCF-style: chr12-94072662-G-A.
Other names: c.112G>A, p.Glu38Lys (NM_001320099.2, NM_001320100.2, NM_001320101.3 and 1 more transcripts); short protein forms E38K.
Identifiers: ClinVar variation 2420603 (VCV002420603.6), dbSNP rs1955220368, ClinGen allele CA386141731.

ClinVar aggregate classification (germline): Uncertain significance (1 of 4 stars; one submission).

Allele frequency attached by ClinVar (database versions not stated): TOPMed 0.00001.

Submission:

Labcorp Genetics (formerly Invitae), Labcorp
Classification: Uncertain significance. Last evaluated: 2022-08-23. Review status: criteria provided, single submitter. Criteria: Invitae Variant Classification Sherloc (09022015). Collection method: clinical testing. Allele origin: germline.
Comment: In summary, the available evidence is currently insufficient to determine the role of this variant in disease. Therefore, it has been classified as a Variant of Uncertain Significance. Algorithms developed to predict the effect of missense changes on protein structure and function are either unavailable or do not agree on the potential impact of this missense change (SIFT: "Not Available"; PolyPhen-2: "Probably Damaging"; Align-GVGD: "Not Available"). This variant has not been reported in the literature in individuals affected with CRADD-related conditions. This variant is not present in population databases (gnomAD no frequency). This sequence change replaces glutamic acid, which is acidic and polar, with lysine, which is basic and polar, at codon 38 of the CRADD protein (p.Glu38Lys).